The following is an entry in ClinVar:

NM_016148.5(SHANK1):c.1223-3C>T

Gene: SHANK1 (SH3 and multiple ankyrin repeat domains 1; minus strand). Cytogenetic location: 19q13.33.
Variant type: single nucleotide variant.
Coding change: c.1223-3C>T on transcript NM_016148.5 (MANE Select); 3 bases into the intron before coding-DNA position 1223, C replaced by T.
Molecular consequence: intron variant.
Genome position (GRCh38, 1-based): chr19:50,703,833, G>A on the plus strand (C>T on the coding strand, the complement: SHANK1 is on the minus strand). VCF-style: chr19-50703833-G-A. GRCh37 (hg19) VCF-style: chr19-51207090-G-A.
Identifiers: ClinVar variation 2288386 (VCV002288386.2), dbSNP rs770474266, ClinGen allele CA9601909.

ClinVar aggregate classification (germline): Uncertain significance (1 of 4 stars; one submission).

Conditions:
Inborn genetic diseases. Identifiers: MedGen C0950123, MeSH D030342.

Allele frequency attached by ClinVar (database versions not stated): gnomAD exomes 0.00002; TOPMed 0.00003.
gnomAD v4.1: 19 of 1,418,644 alleles (0.0013%); highest among the groups gnomAD compares: Non-Finnish European, 0.0018%; no homozygotes.

Submission:

Ambry Genetics
Classification: Uncertain significance for Inborn genetic diseases. Last evaluated: 2022-06-08. Review status: criteria provided, single submitter. Criteria: Ambry Variant Classification Scheme 2023. Collection method: clinical testing. Allele origin: germline.
Comment: The c.1223-3C>T intronic alteration consists of a C to T substitution 3 nucleotides before coding exon 10 in the SHANK1 gene. Based on insufficient or conflicting evidence, the clinical significance of this alteration remains unclear.